The following is an entry in ClinVar:

ClinVar aggregate classification (germline): Likely benign. Review status: criteria provided, single submitter (1 of 4 stars). 2 submissions from 2 submitters: Likely benign (1). 1 of the submissions does not count toward it. Last evaluated 2020-10-10.

Conditions:
FANCD2-related disorder. Also called: FANCD2-related condition.

Allele frequency attached by ClinVar (database versions not stated): ExAC 0.00001; ESP Exome Variant Server 0.00008.

Submissions (2):

Blueprint Genetics
Classification: Likely benign. Last evaluated: 2020-10-10. Review status: criteria provided, single submitter. Criteria: ACMG Guidelines, 2015. Collection method: clinical testing. Allele origin: germline.

PreventionGenetics, part of Exact Sciences
Classification: Likely benign for FANCD2-related condition. Last evaluated: 2021-04-09. Review status: no assertion criteria provided. Collection method: clinical testing. Allele origin: germline. Not counted in ClinVar's aggregate classification.
Comment: This variant is classified as likely benign based on ACMG/AMP sequence variant interpretation guidelines (Richards et al. 2015 PMID: 25741868, with internal and published modifications).

NM_001018115.3(FANCD2):c.1965C>T (p.Thr655=)

Genes: FANCD2 (FA complementation group D2; plus strand), LOC107303338 (3p25 FANCD2 Alu-mediated recombination region; plus strand). Cytogenetic location: 3p25.3.
Variant type: single nucleotide variant.
Coding change: c.1965C>T on transcript NM_001018115.3 (MANE Select); coding-DNA position 1965, C replaced by T.
Protein change: p.Thr655=; no amino-acid change (threonine 655 retained).
Molecular consequence: synonymous variant.
Genome position (GRCh38, 1-based): chr3:10,064,373, C>T. VCF-style: chr3-10064373-C-T. GRCh37 (hg19) VCF-style: chr3-10106057-C-T.
Other names: c.1965C>T, p.Thr655= (NM_001319984.2, NM_001374254.1, NM_033084.6); c.1854C>T, p.Thr618= (NM_001374253.1).
Identifiers: ClinVar variation 3030442 (VCV003030442.3), dbSNP rs369883803, ClinGen allele CA2249904.